The following is an entry in ClinVar:

ClinVar aggregate classification (germline): Uncertain significance (1 of 4 stars; one submission).

Submission:

Ambry Genetics
Classification: Uncertain significance. Last evaluated: 2025-04-22. Review status: criteria provided, single submitter. Criteria: Ambry Variant Classification Scheme 2023. Collection method: clinical testing. Allele origin: germline.
Comment: The c.2240_2241dupAG variant, located in coding exon 12 of the ATRIP gene, results from a duplication of AG at nucleotide position 2240, causing a translational frameshift with a predicted alternate stop codon (p.F748Sfs*5). This alteration is expected to result in loss of function by premature protein truncation or nonsense-mediated mRNA decay. The evidence for this gene-disease relationship is limited; therefore, the clinical significance of this alteration is unclear.

NM_130384.3(ATRIP):c.2240_2241dup (p.Phe748fs)

Genes: ATRIP (ATR interacting protein; plus strand), ATRIP-TREX1 (ATRIP-TREX1 readthrough; plus strand). Cytogenetic location: 3p21.31.
Variant type: Duplication.
Coding change: c.2240_2241dup on transcript NM_130384.3 (MANE Select); coding-DNA positions 2240 to 2241, 2 bases duplicated (AG; older notation c.2240_2241dupAG).
Protein change: p.Phe748fs; shifts the reading frame from phenylalanine 748.
Molecular consequence: frameshift variant. On other transcripts: non-coding transcript variant (1).
Genome position (GRCh38, 1-based): chr3:48,465,015-48,465,016, AG duplicated. VCF-style (leftmost placement, unchanged base first): chr3-48465014-C-CAG. GRCh37 (hg19) VCF-style: chr3-48506413-C-CAG.
Other names: c.1859_1860dup, p.Phe621fs (NM_001271022.2); c.1961_1962dup, p.Phe655fs (NM_001271023.2); c.2159_2160dup, p.Phe721fs (NM_032166.4); short protein forms F721fs, F655fs, F748fs, F621fs.
Identifiers: ClinVar variation 3976032 (VCV003976032.1).